The following is an entry in ClinVar:

NM_006949.4(STXBP2):c.938G>A (p.Ser313Asn)

Gene: STXBP2 (syntaxin binding protein 2; plus strand). Cytogenetic location: 19p13.2.
Variant type: single nucleotide variant.
Coding change: c.938G>A on transcript NM_006949.4 (MANE Select); coding-DNA position 938, G replaced by A.
Protein change: p.Ser313Asn; replaces serine 313 with asparagine.
Molecular consequence: missense variant. On other transcripts: non-coding transcript variant (1).
Genome position (GRCh38, 1-based): chr19:7,642,801, G>A. VCF-style: chr19-7642801-G-A. GRCh37 (hg19) VCF-style: chr19-7707687-G-A.
Other names: c.929G>A, p.Ser310Asn (NM_001127396.3); c.971G>A, p.Ser324Asn (NM_001272034.2); short protein forms S324N, S310N, S313N.
Identifiers: ClinVar variation 653867 (VCV000653867.7), dbSNP rs775739579, ClinGen allele CA9143880.
Genomic context (GRCh38, chr19:7,642,801, plus strand): 5'-CACCCCCGCCCACCCTCATGGCCAGGAAGGTCACGGAGCTCCTGAGGACCTTCTGTGAGA[G>A]CAAGAGGCTGACCACGGACAAGGTAGGGGCGGACCCAGGTCACCAAAGGCGCTGGTGGAA-3'
Protein context (NP_008880.2, residues 303-323): VTELLRTFCE[Ser313Asn]KRLTTDKANI

ClinVar aggregate classification (germline): Uncertain significance (1 of 4 stars; one submission).

Conditions:
Familial hemophagocytic lymphohistiocytosis 5. Also called: STXBP2-Related Familial Hemophagocytic Lymphohistiocytosis (STXBP2-fHLH). Identifiers: Orphanet 540, MedGen C2751293, MONDO:0013135, OMIM 613101.

Allele frequency attached by ClinVar (database versions not stated): ExAC 0.00001; gnomAD 0.00001; gnomAD exomes 0.00001; TOPMed 0.00002.

Submission:

Labcorp Genetics (formerly Invitae), Labcorp
Classification: Uncertain significance for Familial hemophagocytic lymphohistiocytosis 5. Last evaluated: 2024-10-16. Review status: criteria provided, single submitter. Criteria: Invitae Variant Classification Sherloc (09022015). Collection method: clinical testing. Allele origin: germline.
Comment: This sequence change replaces serine, which is neutral and polar, with asparagine, which is neutral and polar, at codon 313 of the STXBP2 protein (p.Ser313Asn). This variant is present in population databases (rs775739579, gnomAD 0.003%). This variant has not been reported in the literature in individuals affected with STXBP2-related conditions. ClinVar contains an entry for this variant (Variation ID: 653867). Invitae Evidence Modeling of protein sequence and biophysical properties (such as structural, functional, and spatial information, amino acid conservation, physicochemical variation, residue mobility, and thermodynamic stability) indicates that this missense variant is not expected to disrupt STXBP2 protein function with a negative predictive value of 95%. In summary, the available evidence is currently insufficient to determine the role of this variant in disease. Therefore, it has been classified as a Variant of Uncertain Significance.